The following is an entry in ClinVar:

ClinVar aggregate classification (germline): Uncertain significance (1 of 4 stars; one submission).

Submission:

Ambry Genetics
Classification: Uncertain significance. Last evaluated: 2023-03-22. Review status: criteria provided, single submitter. Criteria: Ambry Variant Classification Scheme 2023. Collection method: clinical testing. Allele origin: germline.
Comment: The p.T214S variant (also known as c.640A>T), located in coding exon 5 of the RECQL gene, results from an A to T substitution at nucleotide position 640. The threonine at codon 214 is replaced by serine, an amino acid with similar properties. This amino acid position is conserved. In addition, this alteration is predicted to be tolerated by in silico analysis. Since supporting evidence is limited at this time, the clinical significance of this alteration remains unclear.

NM_002907.4(RECQL):c.640A>T (p.Thr214Ser)

Gene: RECQL (RecQ like helicase; minus strand). Cytogenetic location: 12p12.1.
Variant type: single nucleotide variant.
Coding change: c.640A>T on transcript NM_002907.4 (MANE Select); coding-DNA position 640, A replaced by T.
Protein change: p.Thr214Ser; replaces threonine 214 with serine.
Molecular consequence: missense variant.
Genome position (GRCh38, 1-based): chr12:21,483,436, T>A on the plus strand (A>T on the coding strand, the complement: RECQL is on the minus strand). VCF-style: chr12-21483436-T-A. GRCh37 (hg19) VCF-style: chr12-21636370-T-A.
Other names: c.640A>T, p.Thr214Ser (NM_032941.3); short protein forms T214S.
Identifiers: ClinVar variation 2562121 (VCV002562121.2), dbSNP rs2540374853, ClinGen allele CA384126962.